The following is an entry in ClinVar:

NM_022173.4(TIA1):c.223-3T>C

Gene: TIA1 (TIA1 cytotoxic granule associated RNA binding protein; minus strand). Cytogenetic location: 2p13.3.
Variant type: single nucleotide variant.
Coding change: c.223-3T>C on transcript NM_022173.4 (MANE Select); 3 bases into the intron before coding-DNA position 223, T replaced by C.
Molecular consequence: intron variant.
Genome position (GRCh38, 1-based): chr2:70,229,321, A>G on the plus strand (T>C on the coding strand, the complement: TIA1 is on the minus strand). VCF-style: chr2-70229321-A-G. GRCh37 (hg19) VCF-style: chr2-70456453-A-G.
Other names: c.112-3T>C (NM_001351513.1, NM_001351511.1); c.118-3T>C (NM_001351512.1); c.28-3T>C (NM_001351514.2, NM_001351523.2); c.-198-3T>C (NM_001351524.2); c.-421-3T>C (NM_001351517.2); c.223-3T>C (NM_001351510.2, NM_022037.4, NM_001351508.2 and 5 more transcripts); c.-231-3T>C (NM_001351525.2); c.-167-3T>C (NM_001351515.2); and 1 more.
Identifiers: ClinVar variation 2437090 (VCV002437090.5), dbSNP rs750261656, ClinGen allele CA533216907.

ClinVar aggregate classification (germline): Uncertain significance. Review status: criteria provided, multiple submitters, no conflicts (2 of 4 stars). 2 submissions from 2 submitters: Uncertain significance (2). Last evaluated 2024-04-25.

Conditions:
Welander distal myopathy (WDM). Also called: Gower's muscular dystrophy; MUSCULAR DYSTROPHY, DISTAL, LATE-ONSET, AUTOSOMAL DOMINANT; Welander distal myopathy, Swedish type; Distal myopathy, Swedish type. Identifiers: Orphanet 603, MedGen C0221054, MONDO:0011466, OMIM 604454.

Allele frequency attached by ClinVar (database versions not stated): gnomAD 0.00001; TOPMed 0.00001.
gnomAD v4.1: 3 of 826,826 alleles (0.00036%); highest among the groups gnomAD compares: African/African-American, 0.0018%; no homozygotes.

Submissions (2):

Labcorp Genetics (formerly Invitae), Labcorp
Classification: Uncertain significance for Welander distal myopathy. Last evaluated: 2024-04-25. Review status: criteria provided, single submitter. Criteria: Invitae Variant Classification Sherloc (09022015). Collection method: clinical testing. Allele origin: germline.
Comment: This sequence change falls in intron 3 of the TIA1 gene. It does not directly change the encoded amino acid sequence of the TIA1 protein. It affects a nucleotide within the consensus splice site. The frequency data for this variant in the population databases is considered unreliable, as metrics indicate poor data quality at this position in the gnomAD database. This variant has not been reported in the literature in individuals affected with TIA1-related conditions. ClinVar contains an entry for this variant (Variation ID: 2437090). Variants that disrupt the consensus splice site are a relatively common cause of aberrant splicing (PMID: 17576681, 9536098). Algorithms developed to predict the effect of sequence changes on RNA splicing suggest that this variant is not likely to affect RNA splicing. In summary, the available evidence is currently insufficient to determine the role of this variant in disease. Therefore, it has been classified as a Variant of Uncertain Significance.

Revvity Omics, Revvity
Classification: Uncertain significance. Last evaluated: 2022-04-21. Review status: criteria provided, single submitter. Criteria: ACMG Guidelines, 2015. Collection method: clinical testing. Allele origin: germline.

Literature cited by the submitters: PubMed 17576681 (cited by Labcorp Genetics (formerly Invitae), Labcorp); PubMed 9536098 (cited by Labcorp Genetics (formerly Invitae), Labcorp).